The following is an entry in ClinVar:

ClinVar aggregate classification (germline): Pathogenic (1 of 4 stars; one submission).

Conditions:
Deficiency of galactokinase. Also called: GALACTOSEMIA II; Galactokinase deficiency with cataracts. Identifiers: Orphanet 352, Orphanet 79237, MedGen C0268155, MONDO:0009255, OMIM 230200.

Submission:

Labcorp Genetics (formerly Invitae), Labcorp
Classification: Pathogenic for Deficiency of galactokinase. Last evaluated: 2022-10-09. Review status: criteria provided, single submitter. Criteria: Invitae Variant Classification Sherloc (09022015). Collection method: clinical testing. Allele origin: germline.
Comment: This variant is not present in population databases (gnomAD no frequency). This sequence change creates a premature translational stop signal (p.Arg287Profs*2) in the GALK1 gene. It is expected to result in an absent or disrupted protein product. Loss-of-function variants in GALK1 are known to be pathogenic (PMID: 7670469, 10790206). This variant has not been reported in the literature in individuals affected with GALK1-related conditions. For these reasons, this variant has been classified as Pathogenic.

Literature cited by the submitters: PubMed 7670469; PubMed 10790206.

NM_000154.2(GALK1):c.860_881del (p.Arg287fs)

Gene: GALK1 (galactokinase 1; minus strand). Cytogenetic location: 17q25.1.
Variant type: Deletion.
Coding change: c.860_881del on transcript NM_000154.2 (MANE Select); coding-DNA positions 860 to 881, 22 bases deleted (GCACGGCCCAGGCAGCGGCCGC).
Protein change: p.Arg287fs; shifts the reading frame from arginine 287.
Molecular consequence: frameshift variant.
Genome position (GRCh38, 1-based): chr17:75,758,512-75,758,533, GCGGCCGCTGCCTGGGCCGTGC deleted on the plus strand (GCACGGCCCAGGCAGCGGCCGC on the coding strand, the reverse complement: GALK1 is on the minus strand); deleting any 22 consecutive bases within chr17:75,758,512-75,758,535 gives the same sequence; the c. name uses the placement nearest the transcript's 3' end. VCF-style (leftmost placement, unchanged base first): chr17-75758511-GGCGGCCGCTGCCTGGGCCGTGC-G. GRCh37 (hg19) VCF-style: chr17-73754592-GGCGGCCGCTGCCTGGGCCGTGC-G.
Other names: c.860_881del, p.Arg287fs (NM_001381985.1); short protein forms R287fs.
Identifiers: ClinVar variation 2807348 (VCV002807348.3), dbSNP rs2545900183, ClinGen allele CA2739268400.